The following is an entry in ClinVar:

ClinVar aggregate classification (germline): Conflicting classifications of pathogenicity. Review status: criteria provided, conflicting classifications (1 of 4 stars). 3 submissions from 3 submitters: Likely pathogenic (1); Uncertain significance (2). Last evaluated 2026-02-13.

Conditions:
Carney-Stratakis syndrome. Also called: PARAGANGLIOMA AND GASTROINTESTINAL STROMAL TUMOR. Identifiers: Orphanet 97286, MedGen C1847319, MONDO:0011740, OMIM 606864.
Cowden syndrome 3 (CWS3). Identifiers: Orphanet 201, MedGen CN166604, MONDO:0014045.
Pheochromocytoma. Also called: MAX-Related Hereditary Paraganglioma-Pheochromocytoma Syndrome. Identifiers: Orphanet 29072, MedGen C0031511, MONDO:0008233, OMIM 171300, HP:0002666.
Paragangliomas with sensorineural hearing loss. Identifiers: MedGen C1868633.
Hereditary cancer-predisposing syndrome. Also called: Tumor predisposition; Hereditary Cancer Syndrome; Hereditary neoplastic syndrome; Neoplastic Syndromes, Hereditary. Identifiers: Orphanet 140162, MedGen C0027672, MeSH D009386, MONDO:0015356.
Hereditary pheochromocytoma and paraganglioma. Also called: Hereditary paragangliomas and pheochromocytomas; Hereditary Paraganglioma-Pheochromocytoma Syndromes; Hereditary pheochromocytoma-paraganglioma. Identifiers: Orphanet 29072, MedGen C4274332, MONDO:0017366.

Allele frequency attached by ClinVar (database versions not stated): gnomAD exomes below 0.00001.

Submissions (3):

Ambry Genetics
Classification: Uncertain significance for Hereditary cancer-predisposing syndrome. Last evaluated: 2026-02-13. Review status: criteria provided, single submitter. Criteria: Ambry Variant Classification Scheme 2023. Collection method: clinical testing. Allele origin: germline.
Comment: The p.G138E variant (also known as c.413G>A), located in coding exon 4 of the SDHD gene, results from a G to A substitution at nucleotide position 413. The glycine at codon 138 is replaced by glutamic acid, an amino acid with similar properties. This amino acid position is highly conserved in available vertebrate species. In addition, this alteration is predicted to be deleterious by in silico analysis. Since supporting evidence is limited at this time, the clinical significance of this alteration remains unclear.

Color Diagnostics, LLC DBA Color Health
Classification: Uncertain significance for Hereditary pheochromocytoma and paraganglioma. Last evaluated: 2025-09-10. Review status: criteria provided, single submitter. Criteria: ACMG Guidelines, 2015. Collection method: clinical testing. Allele origin: germline.
Comment: This missense variant replaces glycine with glutamic acid at codon 138 of the SDHD protein. Computational prediction suggests that this variant may have deleterious impact on protein structure and function. To our knowledge, functional studies have not been reported for this variant. This variant has not been reported in individuals affected with SDHD-related disorders in the literature. Another variant at this codon has been observed in individuals affected with paraganglioma and is considered disease causing (PMID: 29875428, 31492822ClinVar Variation ID: 187700).This variant has been identified in 1/249316 chromosomes in the general population by the Genome Aggregation Database (gnomAD). The available evidence is insufficient to determine the role of this variant in disease conclusively. Therefore, this variant is classified as a Variant of Uncertain Significance.

Labcorp Genetics (formerly Invitae), Labcorp
Classification: Likely pathogenic for Carney-Stratakis syndrome; Paragangliomas with sensorineural hearing loss; Pheochromocytoma; Cowden syndrome 3. Last evaluated: 2025-08-24. Review status: criteria provided, single submitter. Criteria: Invitae Variant Classification Sherloc (09022015). Collection method: clinical testing. Allele origin: germline.
Comment: This sequence change replaces glycine, which is neutral and non-polar, with glutamic acid, which is acidic and polar, at codon 138 of the SDHD protein (p.Gly138Glu). This variant is present in population databases (no rsID available, gnomAD 0.0009%). This variant has not been reported in the literature in individuals affected with SDHD-related conditions. ClinVar contains an entry for this variant (Variation ID: 1479490). Invitae Evidence Modeling of protein sequence and biophysical properties (such as structural, functional, and spatial information, amino acid conservation, physicochemical variation, residue mobility, and thermodynamic stability) indicates that this missense variant is expected to disrupt SDHD protein function with a positive predictive value of 95%. This variant disrupts the p.Gly138 amino acid residue in SDHD. Other variant(s) that disrupt this residue have been determined to be pathogenic (PMID: 29875428, 31492822; internal data). This suggests that this residue is clinically significant, and that variants that disrupt this residue are likely to be disease-causing. In summary, the currently available evidence indicates that the variant is pathogenic, but additional data are needed to prove that conclusively. Therefore, this variant has been classified as Likely Pathogenic.

Literature cited by the submitters: PubMed 29875428 (cited by Color Diagnostics, LLC DBA Color Health and Labcorp Genetics (formerly Invitae), Labcorp); PubMed 31492822 (cited by Color Diagnostics, LLC DBA Color Health and Labcorp Genetics (formerly Invitae), Labcorp).

NM_003002.4(SDHD):c.413G>A (p.Gly138Glu)

Gene: SDHD (succinate dehydrogenase complex subunit D; plus strand). Cytogenetic location: 11q23.1.
Variant type: single nucleotide variant.
Coding change: c.413G>A on transcript NM_003002.4 (MANE Select); coding-DNA position 413, G replaced by A.
Protein change: p.Gly138Glu; replaces glycine 138 with glutamic acid.
Molecular consequence: missense variant. On other transcripts: 3 prime UTR variant (2), non-coding transcript variant (1).
Genome position (GRCh38, 1-based): chr11:112,094,903, G>A. VCF-style: chr11-112094903-G-A. GRCh37 (hg19) VCF-style: chr11-111965627-G-A.
Other names: c.413G>A (NM_003002.2); c.*10G>A (NM_001276503.2); c.296G>A, p.Gly99Glu (NM_001276504.2); c.*111G>A (NM_001276506.2); short protein forms G138E, G99E.
Identifiers: ClinVar variation 1479490 (VCV001479490.12), dbSNP rs1401695686, ClinGen allele CA382619287.